The following is an entry in ClinVar:

NM_052897.4(MBD6):c.2195C>T (p.Pro732Leu)

Gene: MBD6 (methyl-CpG binding domain protein 6; plus strand). Cytogenetic location: 12q13.3.
Variant type: single nucleotide variant.
Coding change: c.2195C>T on transcript NM_052897.4 (MANE Select); coding-DNA position 2195, C replaced by T.
Protein change: p.Pro732Leu; replaces proline 732 with leucine.
Molecular consequence: missense variant.
Genome position (GRCh38, 1-based): chr12:57,527,619, C>T. VCF-style: chr12-57527619-C-T. GRCh37 (hg19) VCF-style: chr12-57921402-C-T.
Other names: short protein forms P732L.
Identifiers: ClinVar variation 2633065 (VCV002633065.2), dbSNP rs776685987, ClinGen allele CA6651657.

ClinVar aggregate classification (germline): Uncertain significance. Review status: criteria provided, multiple submitters, no conflicts (2 of 4 stars). 2 submissions from 2 submitters: Uncertain significance (2). Last evaluated 2025-11-08.

Conditions:
MBD6-related disorder. Also called: MBD6-related condition.

Allele frequency attached by ClinVar (database versions not stated): TOPMed 0.00001; ExAC 0.00001; gnomAD 0.00003.
gnomAD v4.1: 11 of 1,611,278 alleles (0.00068%); highest among the groups gnomAD compares: Admixed American, 0.0067%; no homozygotes.

Submissions (2):

Ambry Genetics
Classification: Uncertain significance. Last evaluated: 2025-11-08. Review status: criteria provided, single submitter. Criteria: Ambry Variant Classification Scheme 2023. Collection method: clinical testing. Allele origin: germline.

PreventionGenetics, part of Exact Sciences
Classification: Uncertain significance for MBD6-related condition. Last evaluated: 2023-04-20. Review status: criteria provided, single submitter. Criteria: ACMG Guidelines, 2015. Collection method: clinical testing. Allele origin: germline.
Comment: The MBD6 c.2195C>T variant is predicted to result in the amino acid substitution p.Pro732Leu. To our knowledge, this variant has not been reported in the literature. This variant is reported in 0.0087% of alleles in individuals of Latino descent in gnomAD. At this time, the clinical significance of this variant is uncertain due to the absence of conclusive functional and genetic evidence.